The following is an entry in ClinVar:

ClinVar aggregate classification (germline): Uncertain significance (1 of 4 stars; one submission).

Allele frequency attached by ClinVar (database versions not stated): ExAC 0.00002.
gnomAD v4.1: 3 of 1,610,248 alleles (0.00019%); highest among the groups gnomAD compares: Admixed American, 0.005%; no homozygotes.

Submission:

Labcorp Genetics (formerly Invitae), Labcorp
Classification: Uncertain significance. Last evaluated: 2022-10-13. Review status: criteria provided, single submitter. Criteria: Invitae Variant Classification Sherloc (09022015). Collection method: clinical testing. Allele origin: germline.
Comment: In summary, the available evidence is currently insufficient to determine the role of this variant in disease. Therefore, it has been classified as a Variant of Uncertain Significance. Algorithms developed to predict the effect of sequence changes on RNA splicing suggest that this variant may disrupt the consensus splice site. This variant has not been reported in the literature in individuals affected with XPO5-related conditions. This variant is present in population databases (rs761369158, gnomAD 0.009%). This sequence change falls in intron 15 of the XPO5 gene. It does not directly change the encoded amino acid sequence of the XPO5 protein.

NM_020750.3(XPO5):c.1729-16T>A

Genes: POLR1C (RNA polymerase I and III subunit C; plus strand), XPO5 (exportin 5; minus strand). Cytogenetic location: 6p21.1.
Variant type: single nucleotide variant.
Coding change: c.1729-16T>A on transcript NM_020750.3 (MANE Select); 16 bases into the intron before coding-DNA position 1729, T replaced by A.
Molecular consequence: intron variant.
Genome position (GRCh38, 1-based): chr6:43,549,950, A>T on the plus strand (T>A on the coding strand, the complement: XPO5 is on the minus strand). VCF-style: chr6-43549950-A-T. GRCh37 (hg19) VCF-style: chr6-43517687-A-T.
Other names: c.923-1018A>T (NM_001363658.2).
Identifiers: ClinVar variation 2974427 (VCV002974427.3), dbSNP rs761369158, ClinGen allele CA3826327.